The following is an entry in ClinVar:

NM_000059.4(BRCA2):c.7052C>G (p.Ala2351Gly)

Gene: BRCA2 (BRCA2 DNA repair associated; plus strand). Cytogenetic location: 13q13.1.
Variant type: single nucleotide variant.
Coding change: c.7052C>G on transcript NM_000059.4 (MANE Select); coding-DNA position 7052, C replaced by G.
Protein change: p.Ala2351Gly; replaces alanine 2351 with glycine.
Molecular consequence: missense variant.
Genome position (GRCh38, 1-based): chr13:32,354,905, C>G. VCF-style: chr13-32354905-C-G. GRCh37 (hg19) VCF-style: chr13-32929042-C-G.
Other names: p.A2351G:GCA>GGA; 7280C>G; short protein forms A2351G.
Identifiers: ClinVar variation 38081 (VCV000038081.40), dbSNP rs80358932, ClinGen allele CA024806.

ClinVar aggregate classification (germline): Benign/Likely benign. Review status: criteria provided, multiple submitters, no conflicts (2 of 4 stars). 26 submissions from 25 submitters: Benign (6); Likely benign (10). 10 of the submissions do not count toward it. Last evaluated 2026-02-03.

Conditions:
Breast and/or ovarian cancer. Identifiers: MedGen CN221562.
Hereditary cancer-predisposing syndrome. Also called: Neoplastic Syndromes, Hereditary; Hereditary neoplastic syndrome; Tumor predisposition; Hereditary Cancer Syndrome. Identifiers: Orphanet 140162, MedGen C0027672, MeSH D009386, MONDO:0015356.
Hereditary breast ovarian cancer syndrome. Also called: Hereditary breast and/or ovarian cancer syndrome; Breast and ovarian cancer; BRCA1- and BRCA2-Associated Hereditary Breast and Ovarian Cancer; Hereditary breast and ovarian cancer; Hereditary breast and ovarian cancer syndrome; Hereditary breast and ovarian cancer syndrome (HBOC). Identifiers: Orphanet 145, MedGen C0677776, MeSH D061325, MONDO:0003582. Disease mechanism: loss of function.
Fanconi anemia complementation group D1. Also called: BRCA2-Related Fanconi Anemia. Identifiers: Orphanet 319462, MedGen C1838457, MONDO:0011584, OMIM 605724.
Breast-ovarian cancer, familial, susceptibility to, 2 (BROVCA2). Also called: BRCA2 Hereditary Breast and Ovarian Cancer. Identifiers: Orphanet 145, MedGen C2675520, MONDO:0012933, OMIM 612555. Disease mechanism: loss of function.
Familial cancer of breast. Also called: BREAST CANCER, FAMILIAL; Hereditary breast cancer; hereditary breast carcinoma. Identifiers: Orphanet 227535, MedGen C0346153, MONDO:0016419, OMIM 114480. Disease mechanism: loss of function.
Malignant tumor of breast. Also called: Cancer breast; Malignant breast neoplasm. Identifiers: MedGen C0006142, MONDO:0007254. Disease mechanism: loss of function.

Allele frequency attached by ClinVar (database versions not stated): gnomAD 0.00005 and 0.00007; gnomAD exomes 0.00006 and 0.00016; TOPMed 0.00009; ExAC 0.00013; 1000 Genomes Project 30x 0.00062; 1000 Genomes Project 0.00080.

Submissions 1 to 17 of 26:

Labcorp Genetics (formerly Invitae), Labcorp
Classification: Benign for Hereditary breast ovarian cancer syndrome. Last evaluated: 2026-02-03. Review status: criteria provided, single submitter. Criteria: Invitae Variant Classification Sherloc (09022015). Collection method: clinical testing. Allele origin: germline.

Molecular Diagnostics Laboratory, Catalan Institute of Oncology
Classification: Benign for Hereditary cancer-predisposing syndrome. Last evaluated: 2025-06-01. Review status: criteria provided, single submitter. Criteria: ClinGen BRCA1BRCA2 ACMG Specifications BRCA2 V1.0.0. Collection method: clinical testing. Allele origin: germline.
Comment: BA1, BP1_Strong c.7052C>G, located in exon 14 of the BRCA2 gene, is predicted to result in the substitution of alanine by glycine at codon 2351, p.(Ala2351Gly). This position is outside a (potentially) clinically important functional domain, and the SpliceAI algorithm predicts no significant impact on splicing (BP1_Strong). The variant allele was found in 35/2236240 alleles, with a filtering allele frequency of 0,14% at 95% confidence, within the South Asian population in the gnomAD v2.1.1 database (non-cancer, only exome data set) (BA1). To our knowledge, neither relevant clinical data nor well-established functional studies have been reported for this variant. This variant has been reported in the ClinVar database (7x benign, 15x likely benign, 1x uncertain significance), has been reported in LOVD (4x benign, 5x likely benign, 12x uncertain significance), and has not been revised by the expert panel in BRCA Exchange database. Based on currently available information, the variant c.7052C>G should be considered a benign variant according to ClinGen ENIGMA BRCA1 and BRCA2 Expert Panel Specifications to the ACMG/AMP Variant Interpretation Guidelines for BRCA2 Version 1.0.0.

Blueprint Genetics
Classification: Likely benign. Last evaluated: 2024-11-18. Review status: criteria provided, single submitter. Criteria: ACMG Guidelines, 2015. Collection method: clinical testing. Allele origin: germline.

ARUP Laboratories, Molecular Genetics and Genomics, ARUP Laboratories
Classification: Benign. Last evaluated: 2024-04-22. Review status: criteria provided, single submitter. Criteria: ARUP Molecular Germline Variant Investigation Process 2024. Collection method: clinical testing. Allele origin: germline.

Quest Diagnostics Nichols Institute San Juan Capistrano
Classification: Benign. Last evaluated: 2023-07-31. Review status: criteria provided, single submitter. Criteria: Quest Diagnostics criteria. Collection method: clinical testing. Allele origin: unknown.

Sema4
Classification: Likely benign for Hereditary cancer-predisposing syndrome. Last evaluated: 2021-07-13. Review status: criteria provided, single submitter. Criteria: Sema4 Curation Guidelines. Collection method: curation. Allele origin: germline.

CHEO Genetics Diagnostic Laboratory, Children's Hospital of Eastern Ontario
Classification: Likely benign for Breast and/or ovarian cancer. Last evaluated: 2021-04-19. Review status: criteria provided, single submitter. Criteria: ACMG Guidelines, 2015. Collection method: clinical testing. Allele origin: germline.

GeneDx
Classification: Likely benign. Last evaluated: 2020-11-25. Review status: criteria provided, single submitter. Criteria: GeneDx Variant Classification Process June 2021. Collection method: clinical testing. Allele origin: germline. Affected: yes.
Comment: This variant is associated with the following publications: (PMID: 21990134, 20104584, 21990165, 28664449, 27658390, 24728327, 16949048, 21218378, 18824701, 17100994, 18006916, 21520273, 28222693, 27124784, 27150160, 21120943, 18779604, 26435481, 29731985, 28678401, 27907908, 29020732, 30415210, 28111427, 30093976, 31131967, 31825140)

Genetic Services Laboratory, University of Chicago
Classification: Likely benign. Last evaluated: 2019-08-27. Review status: criteria provided, single submitter. Criteria: ACMG Guidelines, 2015. Collection method: clinical testing. Allele origin: germline. Affected: no.

Ambry Genetics
Classification: Likely benign for Hereditary cancer-predisposing syndrome. Last evaluated: 2018-08-14. Review status: criteria provided, single submitter. Criteria: Ambry Variant Classification Scheme 2023. Collection method: clinical testing. Allele origin: germline.

Illumina Laboratory Services, Illumina
Classification: Likely benign for Fanconi anemia complementation group D1. Last evaluated: 2017-04-27. Review status: criteria provided, single submitter. Criteria: ICSL Variant Classification Criteria 13 December 2019. Collection method: clinical testing. Allele origin: germline.
Comment: This variant was observed as part of a predisposition screen in an ostensibly healthy population. A literature search was performed for the gene, cDNA change, and amino acid change (where applicable). No publications were found based on this search. Allele frequency data from public databases allowed determination this variant is unlikely to cause disease. Therefore, this variant is classified as likely benign.

Illumina Laboratory Services, Illumina
Classification: Likely benign for Breast-ovarian cancer, familial, susceptibility to, 2. Last evaluated: 2017-04-27. Review status: criteria provided, single submitter. Criteria: ICSL Variant Classification Criteria 13 December 2019. Collection method: clinical testing. Allele origin: germline.
Comment: This variant was observed as part of a predisposition screen in an ostensibly healthy population. A literature search was performed for the gene, cDNA change, and amino acid change (where applicable). Publications were found based on this search. The evidence from the literature, in combination with allele frequency data from public databases where available, was sufficient to determine this variant is unlikely to cause disease. Therefore, this variant is classified as likely benign.

Women's Health and Genetics/Laboratory Corporation of America, LabCorp
Classification: Benign. Last evaluated: 2016-03-21. Review status: criteria provided, single submitter. Criteria: LabCorp Variant Classification Summary - May 2015. Collection method: clinical testing. Allele origin: germline.
Comment: Variant Summary: The BRCA2 variant of interest causes a missense change involving a non-conserved nucleotide with 2/4 in silico programs predicting a "benign" outcome (SNPs&Go not captured here due to low reliability index), although these predictions have yet to be functionally assessed. The variant of interest was observed in a large, broad control population, ExAC with an allele frequency of 16/120976 (1/7561), predominantly in the East Asian cohort, 15/8648 (1/577), which significantly exceeds the maximal expected allele frequency for a pathogenic BRCA2 variant of 1/1333, therefore suggesting the variant of interest is a common polymorphism found in population(s) of East Asian origin. The variant of interest has been reported in affected individuals via publicatins, predominantly in those of Asian decent, although limited information is provided (i.e. lack of co-occurrence and co-segregation information being provided). The variant of interest has been reported by multiple reputable databases/clinical laboratories as "likely benign/benign." Additionally, the BIC database reports one individual with a pathogenic BRCA2 co-occurrence, c.1103C>A (p.Ser368Ter). Therefore, taking all lines of evidence into consideration, the variant of interest is classified as benign.

Color Diagnostics, LLC DBA Color Health
Classification: Benign for Hereditary cancer-predisposing syndrome. Last evaluated: 2015-12-02. Review status: criteria provided, single submitter. Criteria: ACMG Guidelines, 2015. Collection method: clinical testing. Allele origin: germline.

Clinical Genetics DNA and cytogenetics Diagnostics Lab, Erasmus MC, Erasmus Medical Center
Classification: Likely benign for Breast-ovarian cancer, familial, susceptibility to, 2. Last evaluated: 2015-09-21. Review status: criteria provided, single submitter. Criteria: ACGS Guidelines, 2013. Collection method: clinical testing. Allele origin: germline. Affected: yes. Study: VKGL Data-share Consensus.

Genome Diagnostics Laboratory, University Medical Center Utrecht
Classification: Likely benign for Breast-ovarian cancer, familial, susceptibility to, 2. Last evaluated: 2014-10-09. Review status: criteria provided, single submitter. Criteria: ACGS Guidelines, 2013. Collection method: clinical testing. Allele origin: germline. Affected: yes. Study: VKGL Data-share Consensus.

Mayo Clinic Laboratories, Mayo Clinic
Classification: Likely benign. Last evaluated: 2017-02-20. Review status: no assertion criteria provided. Collection method: clinical testing. Allele origin: unknown. Not counted in ClinVar's aggregate classification.